The following is an entry in ClinVar:

ClinVar aggregate classification (germline): Benign/Likely benign. Review status: criteria provided, multiple submitters, no conflicts (2 of 4 stars). 3 submissions from 3 submitters: Benign (1); Likely benign (2). Last evaluated 2025-09-18.

Conditions:
Familial cancer of breast. Also called: BREAST CANCER, FAMILIAL; Hereditary breast cancer; hereditary breast carcinoma. Identifiers: Orphanet 227535, MedGen C0346153, MONDO:0016419, OMIM 114480. Disease mechanism: loss of function.
Ataxia-telangiectasia syndrome (AT). Also called: LOUIS-BAR SYNDROME; Cerebello-oculocutaneous telangiectasia; Immunodeficiency with ataxia telangiectasia; Ataxia-telangiectasia, complementation group D; AT, COMPLEMENTATION GROUP C; ATAXIA-TELANGIECTASIA, COMPLEMENTATION GROUP A. Identifiers: Orphanet 100, MedGen C0004135, MONDO:0008840, OMIM 208900.
Hereditary cancer-predisposing syndrome. Also called: Tumor predisposition; Neoplastic Syndromes, Hereditary; Hereditary Cancer Syndrome; Hereditary neoplastic syndrome. Identifiers: Orphanet 140162, MedGen C0027672, MeSH D009386, MONDO:0015356.

Submissions (3):

Labcorp Genetics (formerly Invitae), Labcorp
Classification: Likely benign for Ataxia-telangiectasia syndrome. Last evaluated: 2025-09-18. Review status: criteria provided, single submitter. Criteria: Invitae Variant Classification Sherloc (09022015). Collection method: clinical testing. Allele origin: germline.

Myriad Genetics, Inc.
Classification: Benign for Familial cancer of breast. Last evaluated: 2024-05-07. Review status: criteria provided, single submitter. Criteria: Myriad Autosomal Dominant, Autosomal Recessive and X-Linked Classification Criteria (2023). Collection method: clinical testing. Allele origin: unknown.
Comment: This variant is considered benign. This variant is a silent/synonymous amino acid change and it is not expected to impact splicing.

Ambry Genetics
Classification: Likely benign for Hereditary cancer-predisposing syndrome. Last evaluated: 2020-01-18. Review status: criteria provided, single submitter. Criteria: Ambry Variant Classification Scheme 2023. Collection method: clinical testing. Allele origin: germline.

NM_000051.4(ATM):c.2083C>T (p.Leu695=)

Gene: ATM (ATM serine/threonine kinase; plus strand). Cytogenetic location: 11q22.3.
Variant type: single nucleotide variant.
Coding change: c.2083C>T on transcript NM_000051.4 (MANE Select); coding-DNA position 2083, C replaced by T.
Protein change: p.Leu695=; no amino-acid change (leucine 695 retained).
Molecular consequence: synonymous variant.
Genome position (GRCh38, 1-based): chr11:108,253,998, C>T. VCF-style: chr11-108253998-C-T. GRCh37 (hg19) VCF-style: chr11-108124725-C-T.
Other names: c.2083C>T, p.Leu695= (NM_001351834.2).
Identifiers: ClinVar variation 1785599 (VCV001785599.4), dbSNP rs2135370823, ClinGen allele CA476672446.